The following is an entry in ClinVar:

ClinVar aggregate classification (germline): Conflicting classifications of pathogenicity. Review status: criteria provided, conflicting classifications (1 of 4 stars). 4 submissions from 4 submitters: Pathogenic (1); Uncertain significance (3). Last evaluated 2024-03-07.

Conditions:
Autosomal recessive nonsyndromic hearing loss 3. Also called: NEUROSENSORY NONSYNDROMIC RECESSIVE DEAFNESS 3. Identifiers: Orphanet 90636, MedGen C1838263, MONDO:0010860, OMIM 600316.

Allele frequency attached by ClinVar (database versions not stated): gnomAD 0.00001; TOPMed 0.00001.
gnomAD v4.1: 18 of 1,611,210 alleles (0.0011%); highest among the groups gnomAD compares: African/African-American, 0.0053%; no homozygotes.

Submissions (4):

Labcorp Genetics (formerly Invitae), Labcorp
Classification: Pathogenic. Last evaluated: 2024-03-07. Review status: criteria provided, single submitter. Criteria: Invitae Variant Classification Sherloc (09022015). Collection method: clinical testing. Allele origin: germline.
Comment: This sequence change replaces tyrosine, which is neutral and polar, with cysteine, which is neutral and slightly polar, at codon 1437 of the MYO15A protein (p.Tyr1437Cys). This variant is present in population databases (no rsID available, gnomAD 0.02%). This missense change has been observed in individual(s) with deafness (PMID: 26969326, 32279305, 35346193, 35580552). In at least one individual the data is consistent with being in trans (on the opposite chromosome) from a pathogenic variant. It has also been observed to segregate with disease in related individuals. ClinVar contains an entry for this variant (Variation ID: 517638). Advanced modeling of protein sequence and biophysical properties (such as structural, functional, and spatial information, amino acid conservation, physicochemical variation, residue mobility, and thermodynamic stability) performed at Invitae indicates that this missense variant is expected to disrupt MYO15A protein function with a positive predictive value of 95%. For these reasons, this variant has been classified as Pathogenic.

Fulgent Genetics
Classification: Uncertain significance for Autosomal recessive nonsyndromic hearing loss 3. Last evaluated: 2022-02-25. Review status: criteria provided, single submitter. Criteria: ACMG Guidelines, 2015. Collection method: clinical testing. Allele origin: unknown.

Laboratory for Molecular Medicine, Mass General Brigham Personalized Medicine
Classification: Uncertain significance. Last evaluated: 2018-10-30. Review status: criteria provided, single submitter. Criteria: LMM Criteria. Collection method: clinical testing. Allele origin: germline. Observed: 2 variant alleles.
Comment: Variant classified as Uncertain Significance - Favor Pathogenic. The p.Tyr1437Cy s variant in MYO15A has been previously reported in two individuals with hearing loss (LMM data, Sloan-Heggen 2016). Phasing was not perfo rmed for either individual. This variant has been identified in 0.02% (3/15418) of African chromosomes by gnomAD. Computation al prediction tools and conservation analysis suggest that the variant may impac t the protein, though this information is not predictive enough to determine pat hogenicity. In summary, while there is some suspicion for a pathogenic role, the clinical significance of the p.Tyr1437Cys variant is uncertain. ACMG/AMP Criter ia applied: PM2; PP3; PM3_Supporting.

Molecular Diagnosis Center for Deafness
Classification: Uncertain significance for Autosomal recessive nonsyndromic hearing loss 3. Review status: criteria provided, single submitter. Criteria: ClinGen HL ACMG Specifications v1. Collection method: clinical testing. Allele origin: maternal. Observed: 1 variant allele.

Literature cited by the submitters: PubMed 26969326 (cited by Labcorp Genetics (formerly Invitae), Labcorp and Laboratory for Molecular Medicine, Mass General Brigham Personalized Medicine); PubMed 32279305 (cited by Labcorp Genetics (formerly Invitae), Labcorp); PubMed 35346193 (cited by Labcorp Genetics (formerly Invitae), Labcorp); PubMed 35580552 (cited by Labcorp Genetics (formerly Invitae), Labcorp).

NM_016239.4(MYO15A):c.4310A>G (p.Tyr1437Cys)

Gene: MYO15A (myosin XVA; plus strand). Cytogenetic location: 17p11.2.
Variant type: single nucleotide variant.
Coding change: c.4310A>G on transcript NM_016239.4 (MANE Select); coding-DNA position 4310, A replaced by G.
Protein change: p.Tyr1437Cys; replaces tyrosine 1437 with cysteine.
Molecular consequence: missense variant.
Genome position (GRCh38, 1-based): chr17:18,132,556, A>G. VCF-style: chr17-18132556-A-G. GRCh37 (hg19) VCF-style: chr17-18035870-A-G.
Other names: short protein forms Y1437C.
Identifiers: ClinVar variation 517638 (VCV000517638.28), dbSNP rs749812958, ClinGen allele CA288396659.
Genomic context (GRCh38, chr17:18,132,556, plus strand): 5'-CCGGGTTGCCTGCCCAGCTCAGGCAGGCCTTTAGCCTGCAAGAGGCTGAGACCTACTACT[A>G]TCTGAACCAGGTGAGTGCCAGCAGGCATCTGAAGGCCCCTGGCCCTGGTCCTCCCACCCC-3'
Protein context (NP_057323.3, residues 1427-1447): FSLQEAETYY[Tyr1437Cys]LNQGGNCEIA